The following is an entry in ClinVar:

ClinVar aggregate classification (germline): Uncertain significance (1 of 4 stars; one submission).

Conditions:
Cardiovascular phenotype. Identifiers: MedGen CN230736.

gnomAD v4.1: 2 of 1,614,166 alleles (0.00012%); highest among the groups gnomAD compares: Non-Finnish European, 0.00017%; no homozygotes.

Submission:

Ambry Genetics
Classification: Uncertain significance for Cardiovascular phenotype. Last evaluated: 2025-12-14. Review status: criteria provided, single submitter. Criteria: Ambry Variant Classification Scheme 2023. Collection method: clinical testing. Allele origin: germline.
Comment: The p.P582A variant (also known as c.1744C>G), located in coding exon 11 of the CBL gene, results from a C to G substitution at nucleotide position 1744. The proline at codon 582 is replaced by alanine, an amino acid with highly similar properties. This amino acid position is conserved. In addition, the in silico prediction for this alteration is inconclusive. Based on the available evidence, the clinical significance of this variant remains unclear.

NM_005188.4(CBL):c.1744C>G (p.Pro582Ala)

Gene: CBL (Cbl proto-oncogene; plus strand). Cytogenetic location: 11q23.3.
Variant type: single nucleotide variant.
Coding change: c.1744C>G on transcript NM_005188.4 (MANE Select); coding-DNA position 1744, C replaced by G.
Protein change: p.Pro582Ala; replaces proline 582 with alanine.
Molecular consequence: missense variant.
Genome position (GRCh38, 1-based): chr11:119,285,369, C>G. VCF-style: chr11-119285369-C-G. GRCh37 (hg19) VCF-style: chr11-119156079-C-G.
Other names: short protein forms P582A.
Identifiers: ClinVar variation 4613901 (VCV004613901.1).